The following is an entry in ClinVar:

NM_000492.4:c.(3468+1_3469-1)_(3873+1_3874-1)del

Gene: CFTR (CF transmembrane conductance regulator; plus strand).
Variant type: Deletion.
Other names: CFTRdele19-20; c.(3468+1_3469-1)_(3873+1_3874-1)del (NM_000492.4).
Identifiers: ClinVar variation 1706030 (VCV001706030.1).

ClinVar aggregate classification (germline): Likely pathogenic (1 of 4 stars; one submission).

Conditions:
Cystic fibrosis (CF). Also called: MUCOVISCIDOSIS. Identifiers: Orphanet 586, MedGen C0010674, MONDO:0009061, OMIM 219700. Disease mechanism: loss of function.

Submission:

Institute of Human Genetics, University of Leipzig Medical Center
Classification: Likely pathogenic for Cystic fibrosis. Last evaluated: 2022-09-05. Review status: criteria provided, single submitter. Criteria: ACMG Guidelines, 2015. Collection method: curation. Allele origin: unknown. Affected: yes. Observed: 3 variant alleles.
Comment: This variant was identified in 3 unrelated patients with a clinically confirmed diagnosis of cystic fibrosis. The variant was classified in the context of a project re-classifying variants in the German Cystic Fibrosis Registry (Muko.e.V.). Criteria applied: PVS1_STR, PM2_SUP, PM3, PP4